The following is an entry in ClinVar:

ClinVar aggregate classification (germline): Uncertain significance (1 of 4 stars; one submission).

Submission:

GeneDx
Classification: Uncertain significance. Last evaluated: 2024-09-06. Review status: criteria provided, single submitter. Criteria: GeneDx Variant Classification Process June 2021. Collection method: clinical testing. Allele origin: germline. Affected: yes.
Comment: Not observed at significant frequency in large population cohorts (gnomAD); In silico analysis indicates that this missense variant does not alter protein structure/function; Has not been previously published as pathogenic or benign to our knowledge

NM_004408.4(DNM1):c.2248G>A (p.Val750Ile)

Gene: DNM1 (dynamin 1; plus strand). Cytogenetic location: 9q34.11.
Variant type: single nucleotide variant.
Coding change: c.2248G>A on transcript NM_004408.4 (MANE Select); coding-DNA position 2248, G replaced by A.
Protein change: p.Val750Ile; replaces valine 750 with isoleucine.
Molecular consequence: missense variant.
Genome position (GRCh38, 1-based): chr9:128,250,286, G>A. VCF-style: chr9-128250286-G-A. GRCh37 (hg19) VCF-style: chr9-131012565-G-A.
Other names: c.2248G>A, p.Val750Ile (NM_001005336.3, NM_001288737.2, NM_001288738.2 and 2 more transcripts); short protein forms V750I.
Identifiers: ClinVar variation 3769794 (VCV003769794.1).
Genomic context (GRCh38, chr9:128,250,286, plus strand): 5'-CGCATGTACCACGCACTGAAGGAGGCGCTCAGCATCATCGGCGACATCAACACGACCACC[G>A]TCAGCACGCCCATGCCCCCGCCCGTGGACGACTCCTGGCTGCAGGTGCAGAGCGTACCGG-3'
Protein context (NP_004399.2, residues 740-760): SIIGDINTTT[Val750Ile]STPMPPPVDD